The following is an entry in ClinVar:

NM_002156.5(HSPD1):c.410C>G (p.Pro137Arg)

Gene: HSPD1 (heat shock protein family D (Hsp60) member 1; minus strand). Cytogenetic location: 2q33.1.
Variant type: single nucleotide variant.
Coding change: c.410C>G on transcript NM_002156.5 (MANE Select); coding-DNA position 410, C replaced by G.
Protein change: p.Pro137Arg; replaces proline 137 with arginine.
Molecular consequence: missense variant.
Genome position (GRCh38, 1-based): chr2:197,497,157, G>C on the plus strand (C>G on the coding strand, the complement: HSPD1 is on the minus strand). VCF-style: chr2-197497157-G-C. GRCh37 (hg19) VCF-style: chr2-198361881-G-C.
Other names: c.410C>G, p.Pro137Arg (NM_199440.2); short protein forms P137R.
Identifiers: ClinVar variation 4781335 (VCV004781335.1).

ClinVar aggregate classification (germline): Uncertain significance (1 of 4 stars; one submission).

Conditions:
Spastic paraplegia. Identifiers: MedGen C0037772, HP:0001258.

Submission:

Labcorp Genetics (formerly Invitae), Labcorp
Classification: Uncertain significance for Spastic paraplegia. Last evaluated: 2025-02-20. Review status: criteria provided, single submitter. Criteria: Invitae Variant Classification Sherloc (09022015). Collection method: clinical testing. Allele origin: germline.
Comment: This sequence change replaces proline, which is neutral and non-polar, with arginine, which is basic and polar, at codon 137 of the HSPD1 protein (p.Pro137Arg). This variant is not present in population databases (gnomAD no frequency). This variant has not been reported in the literature in individuals affected with HSPD1-related conditions. Invitae Evidence Modeling of protein sequence and biophysical properties (such as structural, functional, and spatial information, amino acid conservation, physicochemical variation, residue mobility, and thermodynamic stability) indicates that this missense variant is expected to disrupt HSPD1 protein function with a positive predictive value of 80%. In summary, the available evidence is currently insufficient to determine the role of this variant in disease. Therefore, it has been classified as a Variant of Uncertain Significance.